The following is an entry in ClinVar:

NM_000487.6(ARSA):c.350G>A (p.Gly117Asp)

Gene: ARSA (arylsulfatase A; minus strand). Cytogenetic location: 22q13.33.
Variant type: single nucleotide variant.
Coding change: c.350G>A on transcript NM_000487.6 (MANE Select); coding-DNA position 350, G replaced by A.
Protein change: p.Gly117Asp; replaces glycine 117 with aspartic acid.
Molecular consequence: missense variant.
Genome position (GRCh38, 1-based): chr22:50,627,281, C>T on the plus strand (G>A on the coding strand, the complement: ARSA is on the minus strand). VCF-style: chr22-50627281-C-T. GRCh37 (hg19) VCF-style: chr22-51065709-C-T.
Other names: p.Gly115Asp; c.350G>A, p.Gly117Asp (NM_001085425.3, NM_001085426.3, NM_001085427.3); c.92G>A, p.Gly31Asp (NM_001085428.3, NM_001362782.2); short protein forms G117D, G31D.
Identifiers: ClinVar variation 1693781 (VCV001693781.8), dbSNP rs1433109241, ClinGen allele CA412180941.

ClinVar aggregate classification (germline): Uncertain significance. Review status: criteria provided, multiple submitters, no conflicts (2 of 4 stars). 2 submissions from 2 submitters: Uncertain significance (2). Last evaluated 2022-04-16.

Conditions:
Metachromatic leukodystrophy (MLD). Also called: ARSA DEFICIENCY; Cerebral sclerosis diffuse metachromatic form; Arylsulfatase A Deficiency; SULFATIDE LIPIDOSIS; CEREBROSIDE SULFATASE DEFICIENCY; METACHROMATIC LEUKOENCEPHALOPATHY. Identifiers: Orphanet 512, MedGen C0023522, MONDO:0018868, OMIM 250100.

Allele frequency attached by ClinVar (database versions not stated): gnomAD exomes 0.00001.

Submissions (2):

Labcorp Genetics (formerly Invitae), Labcorp
Classification: Uncertain significance for Metachromatic leukodystrophy. Last evaluated: 2022-04-16. Review status: criteria provided, single submitter. Criteria: Invitae Variant Classification Sherloc (09022015). Collection method: clinical testing. Allele origin: germline.
Comment: This sequence change replaces glycine, which is neutral and non-polar, with aspartic acid, which is acidic and polar, at codon 117 of the ARSA protein (p.Gly117Asp). This variant is present in population databases (no rsID available, gnomAD 0.007%). This variant has not been reported in the literature in individuals affected with ARSA-related conditions. Advanced modeling of protein sequence and biophysical properties (such as structural, functional, and spatial information, amino acid conservation, physicochemical variation, residue mobility, and thermodynamic stability) performed at Invitae indicates that this missense variant is expected to disrupt ARSA protein function. In summary, the available evidence is currently insufficient to determine the role of this variant in disease. Therefore, it has been classified as a Variant of Uncertain Significance.

Mayo Clinic Laboratories, Mayo Clinic
Classification: Uncertain significance. Last evaluated: 2021-06-18. Review status: criteria provided, single submitter. Criteria: ACMG Guidelines, 2015. Collection method: clinical testing. Allele origin: germline.